The following is an entry in ClinVar:

ClinVar aggregate classification (germline): Uncertain significance. Review status: criteria provided, single submitter (1 of 4 stars). 2 submissions from 2 submitters: Uncertain significance (1). 1 of the submissions does not count toward it. Last evaluated 2022-07-06.

Conditions:
Leber congenital amaurosis 5 (LCA5). Also called: Amaurosis congenita of Leber, type 5. Identifiers: Orphanet 65, MedGen C1858301, MONDO:0011473, OMIM 604537.

Allele frequency attached by ClinVar (database versions not stated): gnomAD exomes below 0.00001 and 0.00001; ExAC 0.00001; gnomAD 0.00001; TOPMed 0.00001; ESP Exome Variant Server 0.00008.
gnomAD v4.1: 3 of 1,613,916 alleles (0.00019%); highest among the groups gnomAD compares: African/African-American, 0.0027%; no homozygotes.

Submissions (2):

Labcorp Genetics (formerly Invitae), Labcorp
Classification: Uncertain significance. Last evaluated: 2022-07-06. Review status: criteria provided, single submitter. Criteria: Invitae Variant Classification Sherloc (09022015). Collection method: clinical testing. Allele origin: germline.
Comment: This sequence change replaces histidine, which is basic and polar, with arginine, which is basic and polar, at codon 651 of the LCA5 protein (p.His651Arg). This variant is present in population databases (rs369558299, gnomAD 0.008%). This variant has not been reported in the literature in individuals affected with LCA5-related conditions. ClinVar contains an entry for this variant (Variation ID: 1024688). Algorithms developed to predict the effect of missense changes on protein structure and function output the following: SIFT: "Tolerated"; PolyPhen-2: "Benign"; Align-GVGD: "Class C0". The arginine amino acid residue is found in multiple mammalian species, which suggests that this missense change does not adversely affect protein function. In summary, the available evidence is currently insufficient to determine the role of this variant in disease. Therefore, it has been classified as a Variant of Uncertain Significance.

Natera, Inc.
Classification: Uncertain significance for Leber congenital amaurosis type 5. Last evaluated: 2021-06-25. Review status: no assertion criteria provided. Collection method: clinical testing. Allele origin: germline. Not counted in ClinVar's aggregate classification.

NM_001122769.3(LCA5):c.1952A>G (p.His651Arg)

Gene: LCA5 (lebercilin LCA5; minus strand). Cytogenetic location: 6q14.1.
Variant type: single nucleotide variant.
Coding change: c.1952A>G on transcript NM_001122769.3 (MANE Select); coding-DNA position 1952, A replaced by G.
Protein change: p.His651Arg; replaces histidine 651 with arginine.
Molecular consequence: missense variant.
Genome position (GRCh38, 1-based): chr6:79,487,146, T>C on the plus strand (A>G on the coding strand, the complement: LCA5 is on the minus strand). VCF-style: chr6-79487146-T-C. GRCh37 (hg19) VCF-style: chr6-80196863-T-C.
Other names: c.1952A>G, p.His651Arg (NM_181714.4); short protein forms H651R.
Identifiers: ClinVar variation 1024688 (VCV001024688.7), dbSNP rs369558299, ClinGen allele CA3900748.